The following is an entry in ClinVar:

NM_001256789.3(CACNA1F):c.620C>T (p.Ala207Val)

Gene: CACNA1F (calcium voltage-gated channel subunit alpha1 F; minus strand). Cytogenetic location: Xp11.23.
Variant type: single nucleotide variant.
Coding change: c.620C>T on transcript NM_001256789.3 (MANE Select); coding-DNA position 620, C replaced by T.
Protein change: p.Ala207Val; replaces alanine 207 with valine.
Molecular consequence: missense variant.
Genome position (GRCh38, 1-based): chrX:49,230,511, G>A on the plus strand (C>T on the coding strand, the complement: CACNA1F is on the minus strand). VCF-style: chrX-49230511-G-A. GRCh37 (hg19) VCF-style: chrX-49086973-G-A.
Other names: c.425C>T, p.Ala142Val (NM_001256790.3); c.620C>T, p.Ala207Val (NM_005183.4); short protein forms A142V, A207V.
Identifiers: ClinVar variation 2818756 (VCV002818756.3), dbSNP rs2065866880, ClinGen allele CA412925252.

ClinVar aggregate classification (germline): Uncertain significance (1 of 4 stars; one submission).

Allele frequency attached by ClinVar (database versions not stated): gnomAD exomes below 0.00001; TOPMed below 0.00001.

Submission:

Labcorp Genetics (formerly Invitae), Labcorp
Classification: Uncertain significance. Last evaluated: 2024-09-04. Review status: criteria provided, single submitter. Criteria: Invitae Variant Classification Sherloc (09022015). Collection method: clinical testing. Allele origin: germline.
Comment: This sequence change replaces alanine, which is neutral and non-polar, with valine, which is neutral and non-polar, at codon 207 of the CACNA1F protein (p.Ala207Val). This variant is not present in population databases (gnomAD no frequency). This variant has not been reported in the literature in individuals affected with CACNA1F-related conditions. Invitae Evidence Modeling of protein sequence and biophysical properties (such as structural, functional, and spatial information, amino acid conservation, physicochemical variation, residue mobility, and thermodynamic stability) indicates that this missense variant is expected to disrupt CACNA1F protein function with a positive predictive value of 80%. In summary, the available evidence is currently insufficient to determine the role of this variant in disease. Therefore, it has been classified as a Variant of Uncertain Significance.